The following is an entry in ClinVar:

ClinVar aggregate classification (germline): Uncertain significance. Review status: criteria provided, multiple submitters, no conflicts (2 of 4 stars). 2 submissions from 2 submitters: Uncertain significance (2). Last evaluated 2025-04-10.

Allele frequency attached by ClinVar (database versions not stated): gnomAD 0.00004; gnomAD exomes 0.00004; ExAC 0.00007.

Submissions (2):

Ambry Genetics
Classification: Uncertain significance. Last evaluated: 2025-04-10. Review status: criteria provided, single submitter. Criteria: Ambry Variant Classification Scheme 2023. Collection method: clinical testing. Allele origin: germline.

Labcorp Genetics (formerly Invitae), Labcorp
Classification: Uncertain significance. Last evaluated: 2022-06-26. Review status: criteria provided, single submitter. Criteria: Invitae Variant Classification Sherloc (09022015). Collection method: clinical testing. Allele origin: germline.
Comment: In summary, the available evidence is currently insufficient to determine the role of this variant in disease. Therefore, it has been classified as a Variant of Uncertain Significance. Algorithms developed to predict the effect of missense changes on protein structure and function are either unavailable or do not agree on the potential impact of this missense change (SIFT: "Tolerated"; PolyPhen-2: "Possibly Damaging"; Align-GVGD: "Class C0"). This variant has not been reported in the literature in individuals affected with TNS2-related conditions. The frequency data for this variant in the population databases is considered unreliable, as metrics indicate poor data quality at this position in the gnomAD database. This sequence change replaces glutamic acid, which is acidic and polar, with lysine, which is basic and polar, at codon 577 of the TNS2 protein (p.Glu577Lys).

NM_170754.4(TNS2):c.1699G>A (p.Glu567Lys)

Gene: TNS2 (tensin 2; plus strand). Cytogenetic location: 12q13.13.
Variant type: single nucleotide variant.
Coding change: c.1699G>A on transcript NM_170754.4 (MANE Select); coding-DNA position 1699, G replaced by A.
Protein change: p.Glu567Lys; replaces glutamic acid 567 with lysine.
Molecular consequence: missense variant.
Genome position (GRCh38, 1-based): chr12:53,059,340, G>A. VCF-style: chr12-53059340-G-A. GRCh37 (hg19) VCF-style: chr12-53453124-G-A.
Other names: c.1699G>A, p.Glu567Lys (NM_001416202.1); c.1657G>A, p.Glu553Lys (NM_001416203.1); c.1327G>A, p.Glu443Lys (NM_198316.2); c.1726G>A, p.Glu576Lys (NM_001416204.1); c.1630G>A, p.Glu544Lys (NM_015319.3); short protein forms E443K, E567K, E577K, E544K, E553K, E576K.
Identifiers: ClinVar variation 2169465 (VCV002169465.5), dbSNP rs749059899, ClinGen allele CA6592435.